The following is an entry in ClinVar:

ClinVar aggregate classification (germline): Uncertain significance. Review status: criteria provided, multiple submitters, no conflicts (2 of 4 stars). 2 submissions from 2 submitters: Uncertain significance (2). Last evaluated 2023-09-20.

Allele frequency attached by ClinVar (database versions not stated): gnomAD 0.00001; ExAC 0.00002; 1000 Genomes Project 30x 0.00016; 1000 Genomes Project 0.00020; gnomAD exomes 0.00001; TOPMed 0.00001.

Submissions (3):

Ambry Genetics
Classification: Uncertain significance. Last evaluated: 2023-09-20. Review status: criteria provided, single submitter. Criteria: Ambry Variant Classification Scheme 2023. Collection method: clinical testing. Allele origin: germline.

Labcorp Genetics (formerly Invitae), Labcorp
Classification: Uncertain significance. Last evaluated: 2022-09-30. Review status: criteria provided, single submitter. Criteria: Invitae Variant Classification Sherloc (09022015). Collection method: clinical testing. Allele origin: germline.
Comment: Algorithms developed to predict the effect of missense changes on protein structure and function are either unavailable or do not agree on the potential impact of this missense change (SIFT: "Tolerated"; PolyPhen-2: "Possibly Damaging"; Align-GVGD: "Class C0"). This variant has not been reported in the literature in individuals affected with VAV1-related conditions. The frequency data for this variant in the population databases is considered unreliable, as metrics indicate poor data quality at this position in the gnomAD database. This sequence change replaces alanine, which is neutral and non-polar, with valine, which is neutral and non-polar, at codon 168 of the VAV1 protein (p.Ala168Val). In summary, the available evidence is currently insufficient to determine the role of this variant in disease. Therefore, it has been classified as a Variant of Uncertain Significance.

Dr. Peter K. Rogan Lab, Western University
No classification provided (evidence only). Condition: Familial prostate cancer. Review status: no classification provided. Collection method: in vitro. Allele origin: not applicable. Functional consequence: retained intron. Not counted in ClinVar's aggregate classification.

NM_005428.4(VAV1):c.503C>T (p.Ala168Val)

Gene: VAV1 (vav guanine nucleotide exchange factor 1; plus strand). Cytogenetic location: 19p13.3.
Variant type: single nucleotide variant.
Coding change: c.503C>T on transcript NM_005428.4 (MANE Select); coding-DNA position 503, C replaced by T.
Protein change: p.Ala168Val; replaces alanine 168 with valine.
Molecular consequence: missense variant.
Genome position (GRCh38, 1-based): chr19:6,822,274, C>T. VCF-style: chr19-6822274-C-T. GRCh37 (hg19) VCF-style: chr19-6822285-C-T.
Other names: c.503C>T (NM_005428.2); c.503C>T, p.Ala168Val (NM_001258206.2, NM_001258207.2); short protein forms A168V.
Identifiers: ClinVar variation 1905644 (VCV001905644.7), dbSNP rs186483354, ClinGen allele CA9132249.